The following is an entry in ClinVar:

NM_000133.4(F9):c.137G>C (p.Arg46Thr)

Gene: F9 (coagulation factor IX; plus strand). Cytogenetic location: Xq27.1.
Variant type: single nucleotide variant.
Coding change: c.137G>C on transcript NM_000133.4 (MANE Select); coding-DNA position 137, G replaced by C.
Protein change: p.Arg46Thr; replaces arginine 46 with threonine.
Molecular consequence: missense variant.
Genome position (GRCh38, 1-based): chrX:139,537,058, G>C. VCF-style: chrX-139537058-G-C. GRCh37 (hg19) VCF-style: chrX-138619217-G-C.
Other names: c.137G>C, p.Arg46Thr (NM_001313913.2); short protein forms R46T.
Identifiers: ClinVar variation 4854903 (VCV004854903.1).

ClinVar aggregate classification (germline): Uncertain significance (1 of 4 stars; one submission).

Conditions:
Thrombophilia, X-linked, due to factor 9 defect. Identifiers: MedGen C2749016, MONDO:0010432, OMIM 300807.

Submission:

3billion
Classification: Uncertain significance for Thrombophilia, X-linked, due to factor 9 defect. Last evaluated: 2025-12-13. Review status: criteria provided, single submitter. Criteria: ACMG Guidelines, 2015. Collection method: clinical testing. Allele origin: germline. Affected: yes.
Comment: The variant is not observed in the gnomAD v4.1.0 dataset. Predicted Consequence/Location: Missense variant In silico tool predictions suggest damaging effect of the variant on gene or gene product [REVEL: 0.94 (>=0.6, sensitivity 0.68 and specificity 0.92); 3Cnet: 0.79 (> 0.75, sensitivity 0.96 and precision 0.92)]. Different missense changes at the same codon (p.Arg46Lys, p.Arg46Met, p.Arg46Ser, p.Arg46Trp) have been reported to be associated with F9-related disorder (PMID: 10698280, 23689273, 30648777, 35770352, 7937052). However the evidence of pathogenicity is insufficient at this time. Therefore, this variant is classified as VUS according to the recommendation of ACMG/AMP guideline.

Literature cited by the submitters: PubMed 9600455; PubMed 10698280.